The following is an entry in ClinVar:

NM_000051.4(ATM):c.3458T>C (p.Val1153Ala)

Gene: ATM (ATM serine/threonine kinase; plus strand). Cytogenetic location: 11q22.3.
Variant type: single nucleotide variant.
Coding change: c.3458T>C on transcript NM_000051.4 (MANE Select); coding-DNA position 3458, T replaced by C.
Protein change: p.Val1153Ala; replaces valine 1153 with alanine.
Molecular consequence: missense variant.
Genome position (GRCh38, 1-based): chr11:108,281,050, T>C. VCF-style: chr11-108281050-T-C. GRCh37 (hg19) VCF-style: chr11-108151777-T-C.
Other names: c.3458T>C, p.Val1153Ala (NM_001351834.2); short protein forms V1153A.
Identifiers: ClinVar variation 1023268 (VCV001023268.8), dbSNP rs12788418, ClinGen allele CA382519391.

ClinVar aggregate classification (germline): Uncertain significance (1 of 4 stars; one submission).

Conditions:
Ataxia-telangiectasia syndrome (AT). Also called: ATAXIA-TELANGIECTASIA, FRESNO VARIANT; Ataxia-telangiectasia, complementation group D; AT, COMPLEMENTATION GROUP C; Cerebello-oculocutaneous telangiectasia; Immunodeficiency with ataxia telangiectasia; Ataxia telangiectasia (A-T). Identifiers: Orphanet 100, MedGen C0004135, MONDO:0008840, OMIM 208900.

Submission:

Labcorp Genetics (formerly Invitae), Labcorp
Classification: Uncertain significance for Ataxia-telangiectasia syndrome. Last evaluated: 2020-08-26. Review status: criteria provided, single submitter. Criteria: Invitae Variant Classification Sherloc (09022015). Collection method: clinical testing. Allele origin: germline.
Comment: This sequence change replaces valine with alanine at codon 1153 of the ATM protein (p.Val1153Ala). The valine residue is weakly conserved and there is a small physicochemical difference between valine and alanine. This variant is not present in population databases (ExAC no frequency). This variant has not been reported in the literature in individuals with ATM-related conditions. Advanced modeling of protein sequence and biophysical properties (such as structural, functional, and spatial information, amino acid conservation, physicochemical variation, residue mobility, and thermodynamic stability) performed at Invitae indicates that this missense variant is not expected to disrupt ATM protein function. In summary, the available evidence is currently insufficient to determine the role of this variant in disease. Therefore, it has been classified as a Variant of Uncertain Significance.